The following is an entry in ClinVar:

ClinVar aggregate classification (germline): Pathogenic. Review status: criteria provided, multiple submitters, no conflicts (2 of 4 stars). 2 submissions from 2 submitters: Pathogenic (2). Last evaluated 2023-07-30.

Conditions:
Duchenne muscular dystrophy (DMD). Also called: MUSCULAR DYSTROPHY, PSEUDOHYPERTROPHIC PROGRESSIVE, DUCHENNE TYPE; Duchenne Muscular Dystrophy (DMD). Identifiers: Orphanet 98896, MedGen C0013264, MONDO:0010679, OMIM 310200.

Submissions (2):

Labcorp Genetics (formerly Invitae), Labcorp
Classification: Pathogenic for Duchenne muscular dystrophy. Last evaluated: 2023-07-30. Review status: criteria provided, single submitter. Criteria: Invitae Variant Classification Sherloc (09022015). Collection method: clinical testing. Allele origin: germline.
Comment: This variant is not present in population databases (gnomAD no frequency). This sequence change creates a premature translational stop signal (p.Trp1694*) in the DMD gene. It is expected to result in an absent or disrupted protein product. Loss-of-function variants in DMD are known to be pathogenic (PMID: 16770791, 25007885). For these reasons, this variant has been classified as Pathogenic. ClinVar contains an entry for this variant (Variation ID: 620196). This premature translational stop signal has been observed in individual(s) with Duchenne muscular dystrophy (PMID: 28859693).

GeneDx
Classification: Pathogenic. Last evaluated: 2020-09-18. Review status: criteria provided, single submitter. Criteria: GeneDx Variant Classification Process June 2021. Collection method: clinical testing. Allele origin: germline. Affected: yes.
Comment: Reported previously in association with Duchenne muscular dystrophy (Okubo et al., 2017); Nonsense variant predicted to result in protein truncation or nonsense mediated decay in a gene for which loss-of-function is a known mechanism of disease; Not observed in large population cohorts (Lek et al., 2016); Based on the understanding of this genetic alteration, it may be amenable to nonsense read-through therapy that is currently available or in clinical trial; This variant is associated with the following publications: (PMID: 28859693)

Literature cited by the submitters: PubMed 16770791 (cited by Labcorp Genetics (formerly Invitae), Labcorp); PubMed 25007885 (cited by Labcorp Genetics (formerly Invitae), Labcorp); PubMed 28859693 (cited by Labcorp Genetics (formerly Invitae), Labcorp).

NM_004006.3(DMD):c.5082G>A (p.Trp1694Ter)

Gene: DMD (dystrophin; minus strand). Cytogenetic location: Xp21.1.
Variant type: single nucleotide variant.
Coding change: c.5082G>A on transcript NM_004006.3 (MANE Select); coding-DNA position 5082, G replaced by A.
Protein change: p.Trp1694Ter; replaces tryptophan 1694 with a stop codon.
Molecular consequence: nonsense.
Genome position (GRCh38, 1-based): chrX:32,364,654, C>T on the plus strand (G>A on the coding strand, the complement: DMD is on the minus strand). VCF-style: chrX-32364654-C-T. GRCh37 (hg19) VCF-style: chrX-32382771-C-T.
Other names: c.5058G>A, p.Trp1686Ter (NM_000109.4); c.5070G>A, p.Trp1690Ter (NM_004009.3); c.4713G>A, p.Trp1571Ter (NM_004010.3); c.1059G>A, p.Trp353Ter (NM_004011.4); c.1050G>A, p.Trp350Ter (NM_004012.4); short protein forms W1694*, W1571*, W353*, W1686*, W350*, W1690*.
Identifiers: ClinVar variation 620196 (VCV000620196.10), dbSNP rs1295394996, ClinGen allele CA412671571.